The following is an entry in ClinVar:

NM_014319.5(LEMD3):c.2084C>T (p.Pro695Leu)

Gene: LEMD3 (LEM domain containing 3; plus strand). Cytogenetic location: 12q14.3.
Variant type: single nucleotide variant.
Coding change: c.2084C>T on transcript NM_014319.5 (MANE Select); coding-DNA position 2084, C replaced by T.
Protein change: p.Pro695Leu; replaces proline 695 with leucine.
Molecular consequence: missense variant.
Genome position (GRCh38, 1-based): chr12:65,240,196, C>T. VCF-style: chr12-65240196-C-T. GRCh37 (hg19) VCF-style: chr12-65633976-C-T.
Other names: c.2081C>T, p.Pro694Leu (NM_001167614.2); short protein forms P694L, P695L.
Identifiers: ClinVar variation 1714359 (VCV001714359.5), dbSNP rs2498907813, ClinGen allele CA385672381.

ClinVar aggregate classification (germline): Uncertain significance (1 of 4 stars; one submission).

Submission:

Labcorp Genetics (formerly Invitae), Labcorp
Classification: Uncertain significance. Last evaluated: 2025-02-20. Review status: criteria provided, single submitter. Criteria: Invitae Variant Classification Sherloc (09022015). Collection method: clinical testing. Allele origin: germline.
Comment: This sequence change replaces proline, which is neutral and non-polar, with leucine, which is neutral and non-polar, at codon 695 of the LEMD3 protein (p.Pro695Leu). This variant is not present in population databases (gnomAD no frequency). This variant has not been reported in the literature in individuals affected with LEMD3-related conditions. ClinVar contains an entry for this variant (Variation ID: 1714359). Invitae Evidence Modeling of protein sequence and biophysical properties (such as structural, functional, and spatial information, amino acid conservation, physicochemical variation, residue mobility, and thermodynamic stability) indicates that this missense variant is expected to disrupt LEMD3 protein function with a positive predictive value of 80%. In summary, the available evidence is currently insufficient to determine the role of this variant in disease. Therefore, it has been classified as a Variant of Uncertain Significance.